The following is an entry in ClinVar:

ClinVar aggregate classification (germline): Uncertain significance (1 of 4 stars; one submission).

Conditions:
Charcot-Marie-Tooth disease type 2. Also called: Charcot-Marie-Tooth type 2. Identifiers: Orphanet 64746, MedGen C0270914, MONDO:0018993.

Allele frequency attached by ClinVar (database versions not stated): gnomAD exomes below 0.00001; TOPMed 0.00001.
gnomAD v4.1: 3 of 1,611,730 alleles (0.00019%); highest among the groups gnomAD compares: South Asian, 0.0011%; no homozygotes.

Submission:

Labcorp Genetics (formerly Invitae), Labcorp
Classification: Uncertain significance for Charcot-Marie-Tooth disease type 2. Last evaluated: 2024-10-23. Review status: criteria provided, single submitter. Criteria: Invitae Variant Classification Sherloc (09022015). Collection method: clinical testing. Allele origin: germline.
Comment: This sequence change affects codon 595 of the AARS mRNA. It is a 'silent' change, meaning that it does not change the encoded amino acid sequence of the AARS protein. This variant also falls at the last nucleotide of exon 13, which is part of the consensus splice site for this exon. This variant is present in population databases (no rsID available, gnomAD 0.003%). This variant has not been reported in the literature in individuals affected with AARS-related conditions. ClinVar contains an entry for this variant (Variation ID: 581878). Variants that disrupt the consensus splice site are a relatively common cause of aberrant splicing (PMID: 17576681, 9536098). Algorithms developed to predict the effect of sequence changes on RNA splicing suggest that this variant may disrupt the consensus splice site. In summary, the available evidence is currently insufficient to determine the role of this variant in disease. Therefore, it has been classified as a Variant of Uncertain Significance.

Literature cited by the submitters: PubMed 17576681; PubMed 9536098.

NM_001605.3(AARS1):c.1785G>A (p.Glu595=)

Gene: AARS1 (alanyl-tRNA synthetase 1; minus strand). Cytogenetic location: 16q22.1.
Variant type: single nucleotide variant.
Coding change: c.1785G>A on transcript NM_001605.3 (MANE Select); coding-DNA position 1785, G replaced by A.
Protein change: p.Glu595=; no amino-acid change (glutamic acid 595 retained).
Molecular consequence: synonymous variant.
Genome position (GRCh38, 1-based): chr16:70,261,044, C>T on the plus strand (G>A on the coding strand, the complement: AARS1 is on the minus strand). VCF-style: chr16-70261044-C-T. GRCh37 (hg19) VCF-style: chr16-70294947-C-T.
Identifiers: ClinVar variation 581878 (VCV000581878.6), dbSNP rs1462458743, ClinGen allele CA496202327.